The following is an entry in ClinVar:

NM_005869.4(CWC27):c.926C>T (p.Ser309Leu)

Gene: CWC27 (CWC27 spliceosome associated cyclophilin; plus strand). Cytogenetic location: 5q12.3.
Variant type: single nucleotide variant.
Coding change: c.926C>T on transcript NM_005869.4 (MANE Select); coding-DNA position 926, C replaced by T.
Protein change: p.Ser309Leu; replaces serine 309 with leucine.
Molecular consequence: missense variant.
Genome position (GRCh38, 1-based): chr5:64,804,374, C>T. VCF-style: chr5-64804374-C-T. GRCh37 (hg19) VCF-style: chr5-64100201-C-T.
Other names: c.926C>T, p.Ser309Leu (NM_001297644.1, NM_001297645.2, NM_001318000.2 and 1 more transcripts); short protein forms S309L.
Identifiers: ClinVar variation 1380732 (VCV001380732.6), dbSNP rs2112214898, ClinGen allele CA359834237.

ClinVar aggregate classification (germline): Uncertain significance (1 of 4 stars; one submission).

Submission:

Labcorp Genetics (formerly Invitae), Labcorp
Classification: Uncertain significance. Last evaluated: 2021-09-21. Review status: criteria provided, single submitter. Criteria: Invitae Variant Classification Sherloc (09022015). Collection method: clinical testing. Allele origin: germline.
Comment: In summary, the available evidence is currently insufficient to determine the role of this variant in disease. Therefore, it has been classified as a Variant of Uncertain Significance. Algorithms developed to predict the effect of missense changes on protein structure and function output the following: SIFT: "Tolerated"; PolyPhen-2: "Benign"; Align-GVGD: "Class C0". The leucine amino acid residue is found in multiple mammalian species, which suggests that this missense change does not adversely affect protein function. This variant has not been reported in the literature in individuals affected with CWC27-related conditions. This variant is not present in population databases (ExAC no frequency). This sequence change replaces serine with leucine at codon 309 of the CWC27 protein (p.Ser309Leu). The serine residue is weakly conserved and there is a large physicochemical difference between serine and leucine.